The following is an entry in ClinVar:

NM_012448.4(STAT5B):c.1605G>T (p.Gln535His)

Gene: STAT5B (signal transducer and activator of transcription 5B; minus strand). Cytogenetic location: 17q21.2.
Variant type: single nucleotide variant.
Coding change: c.1605G>T on transcript NM_012448.4 (MANE Select); coding-DNA position 1605, G replaced by T.
Protein change: p.Gln535His; replaces glutamine 535 with histidine.
Molecular consequence: missense variant.
Genome position (GRCh38, 1-based): chr17:42,212,059, C>A on the plus strand (G>T on the coding strand, the complement: STAT5B is on the minus strand). VCF-style: chr17-42212059-C-A. GRCh37 (hg19) VCF-style: chr17-40364077-C-A.
Other names: short protein forms Q535H.
Identifiers: ClinVar variation 2797608 (VCV002797608.4), dbSNP rs2508732196, ClinGen allele CA399578918.

ClinVar aggregate classification (germline): Uncertain significance. Review status: criteria provided, multiple submitters, no conflicts (2 of 4 stars). 2 submissions from 2 submitters: Uncertain significance (2). Last evaluated 2025-08-14.

Conditions:
Growth hormone insensitivity with immune dysregulation 1, autosomal recessive. Also called: GROWTH HORMONE INSENSITIVITY DUE TO POSTRECEPTOR DEFECT; LARON SYNDROME DUE TO POSTRECEPTOR DEFECT; GROWTH HORMONE INSENSITIVITY SYNDROME WITH IMMUNE DYSREGULATION 1, AUTOSOMAL RECESSIVE; Laron syndrome with immunodeficiency. Identifiers: Orphanet 220465, MedGen C5435698, MONDO:0100211, OMIM 245590.
Inborn genetic diseases. Identifiers: MedGen C0950123, MeSH D030342.

Allele frequency attached by ClinVar (database versions not stated): gnomAD exomes below 0.00001.
gnomAD v4.1: 1 of 1,614,106 alleles (0.000062%); highest among the groups gnomAD compares: Non-Finnish European, 0.000085%; no homozygotes.

Submissions (2):

Ambry Genetics
Classification: Uncertain significance for Inborn genetic diseases. Last evaluated: 2025-08-14. Review status: criteria provided, single submitter. Criteria: Ambry Variant Classification Scheme 2023. Collection method: clinical testing. Allele origin: germline.

Labcorp Genetics (formerly Invitae), Labcorp
Classification: Uncertain significance for Growth hormone insensitivity with immune dysregulation 1, autosomal recessive. Last evaluated: 2023-01-20. Review status: criteria provided, single submitter. Criteria: Invitae Variant Classification Sherloc (09022015). Collection method: clinical testing. Allele origin: germline.
Comment: In summary, the available evidence is currently insufficient to determine the role of this variant in disease. Therefore, it has been classified as a Variant of Uncertain Significance. Advanced modeling of protein sequence and biophysical properties (such as structural, functional, and spatial information, amino acid conservation, physicochemical variation, residue mobility, and thermodynamic stability) performed at Invitae indicates that this missense variant is not expected to disrupt STAT5B protein function. This variant has not been reported in the literature in individuals affected with STAT5B-related conditions. This variant is not present in population databases (gnomAD no frequency). This sequence change replaces glutamine, which is neutral and polar, with histidine, which is basic and polar, at codon 535 of the STAT5B protein (p.Gln535His).